The following is an entry in ClinVar:

ClinVar aggregate classification (germline): Uncertain significance (1 of 4 stars; one submission).

Submission:

GeneDx
Classification: Uncertain significance. Last evaluated: 2019-08-06. Review status: criteria provided, single submitter. Criteria: GeneDx Variant Classification Process June 2021. Collection method: clinical testing. Allele origin: germline. Affected: yes.
Comment: Not observed in large population cohorts (Lek et al., 2016); In silico analysis, which includes protein predictors and evolutionary conservation, supports a deleterious effect; Has not been previously published as pathogenic or benign to our knowledge

NM_002693.3(POLG):c.2330G>C (p.Gly777Ala)

Genes: POLG (DNA polymerase gamma, catalytic subunit; minus strand), POLGARF (POLG alternative reading frame; minus strand). Cytogenetic location: 15q26.1.
Variant type: single nucleotide variant.
Coding change: c.2330G>C on transcript NM_002693.3 (MANE Select); coding-DNA position 2330, G replaced by C.
Protein change: p.Gly777Ala; replaces glycine 777 with alanine.
Molecular consequence: missense variant.
Genome position (GRCh38, 1-based): chr15:89,322,838, C>G on the plus strand (G>C on the coding strand, the complement: POLG is on the minus strand). VCF-style: chr15-89322838-C-G. GRCh37 (hg19) VCF-style: chr15-89866069-C-G.
Other names: c.2330G>C, p.Gly777Ala (NM_001126131.2); short protein forms G777A.
Identifiers: ClinVar variation 1307394 (VCV001307394.2), dbSNP rs2152062409, ClinGen allele CA393756458.